The following is an entry in ClinVar:

ClinVar aggregate classification (germline): Uncertain significance. Review status: criteria provided, multiple submitters, no conflicts (2 of 4 stars). 2 submissions from 2 submitters: Uncertain significance (2). Last evaluated 2025-02-26.

Conditions:
Generalized epilepsy with febrile seizures plus, type 9 (GEFSP9). Also called: GEFS+, TYPE 9. Identifiers: Orphanet 36387, MedGen C4015395, MONDO:0014517, OMIM 616172.

gnomAD v4.1: 13 of 1,613,700 alleles (0.00081%); highest among the groups gnomAD compares: African/African-American, 0.0013%; no homozygotes.

Submissions (2):

Labcorp Genetics (formerly Invitae), Labcorp
Classification: Uncertain significance for Generalized epilepsy with febrile seizures plus, type 9. Last evaluated: 2025-02-26. Review status: criteria provided, single submitter. Criteria: Invitae Variant Classification Sherloc (09022015). Collection method: clinical testing. Allele origin: germline.
Comment: This sequence change replaces alanine, which is neutral and non-polar, with valine, which is neutral and non-polar, at codon 279 of the STX1B protein (p.Ala279Val). This variant is present in population databases (no rsID available, gnomAD 0.002%). This variant has not been reported in the literature in individuals affected with STX1B-related conditions. Invitae Evidence Modeling of protein sequence and biophysical properties (such as structural, functional, and spatial information, amino acid conservation, physicochemical variation, residue mobility, and thermodynamic stability) indicates that this missense variant is not expected to disrupt STX1B protein function with a negative predictive value of 80%. In summary, the available evidence is currently insufficient to determine the role of this variant in disease. Therefore, it has been classified as a Variant of Uncertain Significance.

GeneDx
Classification: Uncertain significance. Last evaluated: 2024-09-17. Review status: criteria provided, single submitter. Criteria: GeneDx Variant Classification Process June 2021. Collection method: clinical testing. Allele origin: germline. Affected: yes.
Comment: Not observed at significant frequency in large population cohorts (gnomAD); In silico analysis indicates that this missense variant does not alter protein structure/function; Has not been previously published as pathogenic or benign to our knowledge

NM_052874.5(STX1B):c.836C>T (p.Ala279Val)

Gene: STX1B (syntaxin 1B; minus strand). Cytogenetic location: 16p11.2.
Variant type: single nucleotide variant.
Coding change: c.836C>T on transcript NM_052874.5 (MANE Select); coding-DNA position 836, C replaced by T.
Protein change: p.Ala279Val; replaces alanine 279 with valine.
Molecular consequence: missense variant.
Genome position (GRCh38, 1-based): chr16:30,992,852, G>A on the plus strand (C>T on the coding strand, the complement: STX1B is on the minus strand). VCF-style: chr16-30992852-G-A. GRCh37 (hg19) VCF-style: chr16-31004173-G-A.
Other names: c.836C>T (NM_052874.3); short protein forms A279V.
Identifiers: ClinVar variation 3665685 (VCV003665685.3).
Genomic context (GRCh38, chr16:30,992,852, plus strand): 5'-GGTCTGGGAGAGAGAAGGGTGGGGGGGGCCTACAAGCCCAGCGTCCCCCCAATGGATGAC[G>A]CCAAGACCACCCCCAGCACCACACAGCAAATGATGATCATGATTTTCTTCTGCAGCAGAA-3'
Protein context (NP_443106.1, residues 269-288): ICCVVLGVVL[Ala279Val]SSIGGTLGL